The following is an entry in ClinVar:

ClinVar aggregate classification (germline): Pathogenic (1 of 4 stars; one submission).

Submission:

Labcorp Genetics (formerly Invitae), Labcorp
Classification: Pathogenic. Last evaluated: 2025-12-28. Review status: criteria provided, single submitter. Criteria: Invitae Variant Classification Sherloc (09022015). Collection method: clinical testing. Allele origin: germline.
Comment: This sequence change creates a premature translational stop signal (p.Leu26Profs*10) in the HPS1 gene. It is expected to result in an absent or disrupted protein product. Loss-of-function variants in HPS1 are known to be pathogenic (PMID: 12442288, 16185271). This variant is not present in population databases (gnomAD no frequency). This variant has not been reported in the literature in individuals affected with HPS1-related conditions. For these reasons, this variant has been classified as Pathogenic.

Literature cited by the submitters: PubMed 12442288; PubMed 16185271.

NM_000195.5(HPS1):c.73_74del (p.Leu26fs)

Gene: HPS1 (HPS1 biogenesis of lysosomal organelles complex 3 subunit 1; minus strand). Cytogenetic location: 10q24.2.
Variant type: Microsatellite.
Coding change: c.73_74del on transcript NM_000195.5 (MANE Select); coding-DNA positions 73 to 74, 2 bases deleted (AG; older notation c.73_74delAG).
Protein change: p.Leu26fs; shifts the reading frame from leucine 26.
Molecular consequence: frameshift variant. On other transcripts: 5 prime UTR variant (6).
Genome position (GRCh38, 1-based): chr10:98,443,167-98,443,168, CT deleted on the plus strand (AG on the coding strand, the reverse complement: HPS1 is on the minus strand); deleting any 2 consecutive bases within chr10:98,443,167-98,443,172 gives the same sequence; the c. name uses the placement nearest the transcript's 3' end. VCF-style (leftmost placement, unchanged base first): chr10-98443166-ACT-A. GRCh37 (hg19) VCF-style: chr10-100202923-ACT-A.
Other names: c.73_74del, p.Leu26fs (NM_182639.4, NM_001322490.2, NM_001322491.2 and 8 more transcripts); c.-158AG[2] (NM_001322483.2, NM_001322484.2, NM_001322485.2); c.-947AG[2] (NM_001322487.2); c.-705AG[2] (NM_001322489.2); c.-848AG[2] (NM_001311345.2); short protein forms L26fs.
Identifiers: ClinVar variation 2987668 (VCV002987668.3), dbSNP rs2539077107, ClinGen allele CA2610462032.